The following is an entry in ClinVar:

ClinVar aggregate classification (germline): Uncertain significance (1 of 4 stars; one submission).

Allele frequency attached by ClinVar (database versions not stated): gnomAD exomes below 0.00001; ExAC 0.00001; gnomAD 0.00001; TOPMed 0.00002.
gnomAD v4.1: 1 of 1,614,064 alleles (0.000062%); highest among the groups gnomAD compares: African/African-American, 0.0013%; no homozygotes.

Submission:

Labcorp Genetics (formerly Invitae), Labcorp
Classification: Uncertain significance. Last evaluated: 2022-07-05. Review status: criteria provided, single submitter. Criteria: Invitae Variant Classification Sherloc (09022015). Collection method: clinical testing. Allele origin: germline.
Comment: In summary, the available evidence is currently insufficient to determine the role of this variant in disease. Therefore, it has been classified as a Variant of Uncertain Significance. Algorithms developed to predict the effect of missense changes on protein structure and function output the following: SIFT: "Tolerated"; PolyPhen-2: "Benign"; Align-GVGD: "Class C0". The phenylalanine amino acid residue is found in multiple mammalian species, which suggests that this missense change does not adversely affect protein function. ClinVar contains an entry for this variant (Variation ID: 1383578). This variant has not been reported in the literature in individuals affected with DNAH9-related conditions. This variant is present in population databases (rs748877080, gnomAD 0.0009%). This sequence change replaces leucine, which is neutral and non-polar, with phenylalanine, which is neutral and non-polar, at codon 2994 of the DNAH9 protein (p.Leu2994Phe).

NM_001372.4(DNAH9):c.8980C>T (p.Leu2994Phe)

Gene: DNAH9 (dynein axonemal heavy chain 9; plus strand). Cytogenetic location: 17p12.
Variant type: single nucleotide variant.
Coding change: c.8980C>T on transcript NM_001372.4 (MANE Select); coding-DNA position 8980, C replaced by T.
Protein change: p.Leu2994Phe; replaces leucine 2994 with phenylalanine.
Molecular consequence: missense variant.
Genome position (GRCh38, 1-based): chr17:11,822,567, C>T. VCF-style: chr17-11822567-C-T. GRCh37 (hg19) VCF-style: chr17-11725884-C-T.
Other names: short protein forms L2994F.
Identifiers: ClinVar variation 1383578 (VCV001383578.6), dbSNP rs748877080, ClinGen allele CA8397099.
Genomic context (GRCh38, chr17:11,822,567, plus strand): 5'-AACTGCACAGCCATCCACTGGTTCCACGAGTGGCCTCAGCAAGCATTGGAGTCTGTCAGC[C>T]TCCGCTTCTTGCAGAACACAGAGGGCATTGAGGTGAGAGAGAAAAGGAGACACTCCTAAA-3'
Protein context (NP_001363.2, residues 2984-3004): WPQQALESVS[Leu2994Phe]RFLQNTEGIE